The following is an entry in ClinVar:

NM_000817.3(GAD1):c.-147G>A

Genes: GAD1 (glutamate decarboxylase 1; plus strand), GAD1-AS1 (GAD1 antisense RNA 1; minus strand), LOC132088794 (Neanderthal introgressed variant-containing enhancer experimental_55930; plus strand). Cytogenetic location: 2q31.1.
Variant type: single nucleotide variant.
Coding change: c.-147G>A on transcript NM_000817.3 (MANE Select); 147 bases upstream of the start codon, G replaced by A.
Molecular consequence: 5 prime UTR variant.
Genome position (GRCh38, 1-based): chr2:170,816,965, G>A. VCF-style: chr2-170816965-G-A. GRCh37 (hg19) VCF-style: chr2-171673475-G-A.
Other names: c.-151G>A (NM_013445.4).
Identifiers: ClinVar variation 332221 (VCV000332221.8), dbSNP rs3749034, ClinGen allele CA10611332.

ClinVar aggregate classification (germline): Benign. Review status: criteria provided, multiple submitters, no conflicts (2 of 4 stars). 2 submissions from 2 submitters: Benign (2). Last evaluated 2018-03-06.

Conditions:
Neurodevelopmental disorder with progressive spasticity and brain white matter abnormalities. Also called: CEREBRAL PALSY, SPASTIC QUADRIPLEGIC, 1. Identifiers: Orphanet 210141, Orphanet 641353, MedGen C5436628, MONDO:0033613, OMIM 619026.

Allele frequency attached by ClinVar (database versions not stated): gnomAD exomes 0.22198; TOPMed 0.17235; 1000 Genomes Project 0.17552; 1000 Genomes Project 30x 0.17021; gnomAD 0.18184.
gnomAD v4.1: 36,691 of 195,752 alleles (19%); highest among the groups gnomAD compares: East Asian, 28%; 4,099 homozygotes.

Submissions (2):

Illumina Laboratory Services, Illumina
Classification: Benign. Last evaluated: 2018-03-06. Review status: criteria provided, single submitter. Criteria: ICSL Variant Classification Criteria 13 December 2019. Collection method: clinical testing. Allele origin: germline.
Comment: This variant was observed in the ICSL laboratory as part of a predisposition screen in an ostensibly healthy population. It had not been previously curated by ICSL or reported in the Human Gene Mutation Database (HGMD: prior to June 1st, 2018), and was therefore a candidate for classification through an automated scoring system. Utilizing variant allele frequency, disease prevalence and penetrance estimates, and inheritance mode, an automated score was calculated to assess if this variant is too frequent to cause the disease. Based on the score and internal cut-off values, a variant classified as benign is not then subjected to further curation. The score for this variant resulted in a classification of benign for this disease.

Breakthrough Genomics
Classification: Benign. Review status: criteria provided, single submitter. Criteria: ACMG Guidelines, 2015. Collection method: not provided. Allele origin: germline. Inheritance: Autosomal recessive inheritance. Affected: yes.